The following is an entry in ClinVar:

ClinVar aggregate classification (germline): Uncertain significance. Review status: criteria provided, multiple submitters, no conflicts (2 of 4 stars). 7 submissions from 7 submitters: Uncertain significance (6). 1 of the submissions does not count toward it. Last evaluated 2025-12-20.

Conditions:
Breast and/or ovarian cancer. Identifiers: MedGen CN221562.
Hereditary cancer-predisposing syndrome. Also called: Hereditary neoplastic syndrome; Neoplastic Syndromes, Hereditary; Hereditary Cancer Syndrome; Tumor predisposition. Identifiers: Orphanet 140162, MedGen C0027672, MeSH D009386, MONDO:0015356.
Familial cancer of breast. Also called: Hereditary breast cancer; BREAST CANCER, FAMILIAL; hereditary breast carcinoma. Identifiers: Orphanet 227535, MedGen C0346153, MONDO:0016419, OMIM 114480. Disease mechanism: loss of function.
Malignant tumor of breast. Also called: Malignant breast neoplasm; Cancer breast. Identifiers: MedGen C0006142, MONDO:0007254. Disease mechanism: loss of function.

Allele frequency attached by ClinVar (database versions not stated): TOPMed 0.00001; ExAC 0.00002.
gnomAD v4.1: 2 of 1,593,588 alleles (0.00013%); highest among the groups gnomAD compares: East Asian, 0.0045%; no homozygotes.

Submissions (7):

Labcorp Genetics (formerly Invitae), Labcorp
Classification: Uncertain significance for Familial cancer of breast. Last evaluated: 2025-12-20. Review status: criteria provided, single submitter. Criteria: Invitae Variant Classification Sherloc (09022015). Collection method: clinical testing. Allele origin: germline.
Comment: This sequence change replaces threonine, which is neutral and polar, with serine, which is neutral and polar, at codon 205 of the CHEK2 protein (p.Thr205Ser). This variant is not present in population databases (gnomAD no frequency). This variant has not been reported in the literature in individuals affected with CHEK2-related conditions. ClinVar contains an entry for this variant (Variation ID: 128084). An algorithm developed to predict the effect of missense changes on protein structure and function (PolyPhen-2) suggests that this variant is likely to be tolerated. Studies have shown that this missense change is associated with inconclusive levels of altered splicing (internal data). In summary, the available evidence is currently insufficient to determine the role of this variant in disease. Therefore, it has been classified as a Variant of Uncertain Significance.

Ambry Genetics
Classification: Uncertain significance for Hereditary cancer-predisposing syndrome. Last evaluated: 2025-08-07. Review status: criteria provided, single submitter. Criteria: Ambry Variant Classification Scheme 2023. Collection method: clinical testing. Allele origin: germline.
Comment: The p.T205S variant (also known as c.613A>T), located in coding exon 4 of the CHEK2 gene, results from an A to T substitution at nucleotide position 613. The threonine at codon 205 is replaced by serine, an amino acid with similar properties. This alteration behaved as functional in an in vivo, yeast-based growth rate assay (Delimitsou A et al. Hum Mutat, 2019 05;40:631-648). This amino acid position is well conserved in available vertebrate species. In addition, the in silico prediction for this alteration is inconclusive. This nucleotide position is well conserved in available vertebrate species. In silico splice site analysis predicts that this alteration may result in the creation or strengthening of a novel splice acceptor site; however, direct evidence is insufficient at this time (Ambry internal data). Since supporting evidence is limited at this time, the clinical significance of this alteration remains unclear.

Quest Diagnostics Nichols Institute San Juan Capistrano
Classification: Uncertain significance. Last evaluated: 2023-02-22. Review status: criteria provided, single submitter. Criteria: Quest Diagnostics criteria. Collection method: clinical testing. Allele origin: unknown.
Comment: It has not been reported in large, multi-ethnic general populations. In a large-scale breast cancer association study, the variant was observed in individuals with breast cancer as well as unaffected individuals (PMID: 33471991 (2021), see also LOVD). A yeast based functional study reports that this variant does not alter the protein function (PMID: 33471991 (2016)). Analysis of this variant using bioinformatics tools for the prediction of the effect of amino acid changes on protein structure and function yielded predictions that this variant is benign. Additional analysis using software algorithms for the prediction of the effect of nucleotide changes on CHEK2 mRNA splicing yielded predictions that this variant may result in the gain of a cryptic splice site without affecting the natural splice sites . Based on the available information, we are unable to determine the clinical significance of this variant.

CHEO Genetics Diagnostic Laboratory, Children's Hospital of Eastern Ontario
Classification: Uncertain significance for Breast and/or ovarian cancer. Last evaluated: 2022-09-20. Review status: criteria provided, single submitter. Criteria: ACMG Guidelines, 2015. Collection method: clinical testing. Allele origin: germline.

GeneDx
Classification: Uncertain significance. Last evaluated: 2022-05-26. Review status: criteria provided, single submitter. Criteria: GeneDx Variant Classification Process June 2021. Collection method: clinical testing. Allele origin: germline. Affected: yes.
Comment: Not observed at significant frequency in large population cohorts (gnomAD); In silico analysis supports that this missense variant does not alter protein structure/function; Has not been previously published as pathogenic or benign to our knowledge; In silico analysis, which includes splice predictors and evolutionary conservation, suggests this variant may impact gene splicing. In the absence of RNA/functional studies, the actual effect of this sequence change is unknown.; This variant is associated with the following publications: (PMID: 22419737, 19782031)

Color Diagnostics, LLC DBA Color Health
Classification: Uncertain significance for Hereditary cancer-predisposing syndrome. Last evaluated: 2019-03-05. Review status: criteria provided, single submitter. Criteria: ACMG Guidelines, 2015. Collection method: clinical testing. Allele origin: germline.

Department of Pathology and Laboratory Medicine, Sinai Health System
Classification: Uncertain significance for Malignant tumor of breast. Review status: no assertion criteria provided. Collection method: clinical testing. Allele origin: unknown. Affected: yes. Study: The Canadian Open Genetics Repository (COGR). Not counted in ClinVar's aggregate classification.
Comment: The CHEK2 p.Thr205Ser variant was not identified in the literature nor was it identified in the following databases: Cosmic, MutDB, or the Zhejiang Colon Cancer Database. The variant was identified in dbSNP (ID: rs587780187) as "With Uncertain significance allele", ClinVar (4x uncertain significance), and the Clinvitae database. The variant was not identified in the control databases: the 1000 Genomes Project, the NHLBI GO Exome Sequencing Project, or the Genome Aggregation Database (Feb 27, 2017). The p.Thr205 residue is conserved in mammals but not in more distantly related organisms. However four out of five computational analyses (PolyPhen-2, SIFT, AlignGVGD, BLOSUM, MutationTaster) do not suggest a high likelihood of impact to the protein; this information is not predictive enough to rule out pathogenicity. The variant occurs outside of the splicing consensus sequence and 4 of 5 in silico or computational prediction software programs (SpliceSiteFinder, MaxEntScan, NNSPLICE, GeneSplicer, HumanSpliceFinder) predict a greater than 10% difference in splicing. However, this information is not predictive enough to assume pathogenicity. In summary, based on the above information the clinical significance of this variant cannot be determined with certainty at this time. This variant is classified as a variant of uncertain significance.

Literature cited by the submitters: PubMed 30851065 (cited by Ambry Genetics and Quest Diagnostics Nichols Institute San Juan Capistrano); PubMed 33471991 (cited by Quest Diagnostics Nichols Institute San Juan Capistrano); PubMed 19782031 (cited by Quest Diagnostics Nichols Institute San Juan Capistrano).

NM_007194.4(CHEK2):c.613A>T (p.Thr205Ser)

Gene: CHEK2 (checkpoint kinase 2; minus strand). Cytogenetic location: 22q12.1.
Variant type: single nucleotide variant.
Coding change: c.613A>T on transcript NM_007194.4 (MANE Select); coding-DNA position 613, A replaced by T.
Protein change: p.Thr205Ser; replaces threonine 205 with serine.
Molecular consequence: missense variant. On other transcripts: 5 prime UTR variant (2), intron variant (1).
Genome position (GRCh38, 1-based): chr22:28,719,465, T>A on the plus strand (A>T on the coding strand, the complement: CHEK2 is on the minus strand). VCF-style: chr22-28719465-T-A. GRCh37 (hg19) VCF-style: chr22-29115453-T-A.
Other names: p.T205S:ACT>TCT; c.742A>T, p.Thr248Ser (NM_001005735.3, NM_001438294.1); c.-51A>T (NM_001257387.3, NM_001437942.1); c.706A>T, p.Thr236Ser (NM_001438293.1, NM_001438295.1); c.613A>T, p.Thr205Ser (NM_145862.3); c.482+5421A>T (NM_001349956.3); short protein forms T205S, T248S, T236S.
Identifiers: ClinVar variation 128084 (VCV000128084.24), dbSNP rs587780187, ClinGen allele CA288322.